The following is an entry in ClinVar:

ClinVar aggregate classification (germline): Uncertain significance (1 of 4 stars; one submission).

Conditions:
MACF1-related disorder. Also called: MACF1-related condition.

Allele frequency attached by ClinVar (database versions not stated): gnomAD exomes 0.00001; ExAC 0.00002.
gnomAD v4.1: 5 of 1,614,032 alleles (0.00031%); highest among the groups gnomAD compares: Admixed American, 0.0033%; no homozygotes.

Submission:

PreventionGenetics, part of Exact Sciences
Classification: Uncertain significance for MACF1-related condition. Last evaluated: 2023-09-08. Review status: criteria provided, single submitter. Criteria: ACMG Guidelines, 2015. Collection method: clinical testing. Allele origin: germline.
Comment: The MACF1 c.2593C>T variant is predicted to result in the amino acid substitution p.His865Tyr. To our knowledge, this variant has not been reported in the literature. This variant is reported in 0.0029% of alleles in individuals of Latino descent in gnomAD. At this time, the clinical significance of this variant is uncertain due to the absence of conclusive functional and genetic evidence.

NM_001394062.1(MACF1):c.2578C>T (p.His860Tyr)

Gene: MACF1 (microtubule actin crosslinking factor 1; plus strand). Cytogenetic location: 1p34.3.
Variant type: single nucleotide variant.
Coding change: c.2578C>T on transcript NM_001394062.1 (MANE Select); coding-DNA position 2578, C replaced by T.
Protein change: p.His860Tyr; replaces histidine 860 with tyrosine.
Molecular consequence: missense variant.
Genome position (GRCh38, 1-based): chr1:39,300,306, C>T. VCF-style: chr1-39300306-C-T. GRCh37 (hg19) VCF-style: chr1-39765978-C-T.
Other names: c.2593C>T, p.His865Tyr (NM_012090.5); short protein forms H860Y, H865Y.
Identifiers: ClinVar variation 2629139 (VCV002629139.1), dbSNP rs759003457, ClinGen allele CA779751.